The following is an entry in ClinVar:

ClinVar aggregate classification (germline): Uncertain significance (1 of 4 stars; one submission).

Submission:

GeneDx
Classification: Uncertain significance. Last evaluated: 2017-03-03. Review status: criteria provided, single submitter. Criteria: GeneDx Variant Classification (06012015). Collection method: clinical testing. Allele origin: germline. Affected: yes.
Comment: The K497E variant in the SLC33A1 gene has not been reported previously as a pathogenic variant, nor as a benign variant, to our knowledge. The K497E variant is not observed in large population cohorts (Lek et al., 2016; 1000 Genomes Consortium et al., 2015; Exome Variant Server). The K497E variant is a non-conservative amino acid substitution, which is likely to impact secondary protein structure as these residues differ in polarity, charge, size and/or other properties. This substitution occurs at a position that is not conserved. In silico analysis is inconsistent in its predictions as to whether or not the variant is damaging to the protein structure/function. We interpret K497E as a variant of uncertain significance.

NM_004733.4(SLC33A1):c.1489A>G (p.Lys497Glu)

Gene: SLC33A1 (solute carrier family 33 member 1; minus strand). Cytogenetic location: 3q25.31.
Variant type: single nucleotide variant.
Coding change: c.1489A>G on transcript NM_004733.4 (MANE Select); coding-DNA position 1489, A replaced by G.
Protein change: p.Lys497Glu; replaces lysine 497 with glutamic acid.
Molecular consequence: missense variant.
Genome position (GRCh38, 1-based): chr3:155,828,371, T>C on the plus strand (A>G on the coding strand, the complement: SLC33A1 is on the minus strand). VCF-style: chr3-155828371-T-C. GRCh37 (hg19) VCF-style: chr3-155546160-T-C.
Other names: c.1489A>G, p.Lys497Glu (NM_001190992.2); c.1183A>G, p.Lys395Glu (NM_001363883.1); short protein forms K497E, K395E.
Identifiers: ClinVar variation 424056 (VCV000424056.2), dbSNP rs1064796773, ClinGen allele CA16617838.
Genomic context (GRCh38, chr3:155,828,371, plus strand): 5'-AAATAATGGACTCCACATAATAACCATCCAGGGCTGTAACACATGAGCCACCCAGTTTTT[T>C]GCAAAGCTGTAAAAATAAAACTATAATAAATACTCCACAATTTCAAAATGAAAGTATTTA-3'
Protein context (NP_004724.1, residues 487-507): CRTPDAVELC[Lys497Glu]KLGGSCVTAL